The following is an entry in ClinVar:

ClinVar aggregate classification (germline): Uncertain significance (1 of 4 stars; one submission).

Allele frequency attached by ClinVar (database versions not stated): TOPMed below 0.00001; ExAC 0.00001; gnomAD 0.00001; gnomAD exomes 0.00001 and 0.00002; ESP Exome Variant Server 0.00008.
gnomAD v4.1: 26 of 1,610,388 alleles (0.0016%); highest among the groups gnomAD compares: Non-Finnish European, 0.002%; no homozygotes.

Submission:

Labcorp Genetics (formerly Invitae), Labcorp
Classification: Uncertain significance. Last evaluated: 2025-02-05. Review status: criteria provided, single submitter. Criteria: Invitae Variant Classification Sherloc (09022015). Collection method: clinical testing. Allele origin: germline.
Comment: This sequence change replaces leucine, which is neutral and non-polar, with phenylalanine, which is neutral and non-polar, at codon 460 of the TNNI3K protein (p.Leu460Phe). This variant is present in population databases (rs139671822, gnomAD 0.003%). This variant has not been reported in the literature in individuals affected with TNNI3K-related conditions. ClinVar contains an entry for this variant (Variation ID: 1485332). Invitae Evidence Modeling of protein sequence and biophysical properties (such as structural, functional, and spatial information, amino acid conservation, physicochemical variation, residue mobility, and thermodynamic stability) indicates that this missense variant is not expected to disrupt TNNI3K protein function with a negative predictive value of 80%. In summary, the available evidence is currently insufficient to determine the role of this variant in disease. Therefore, it has been classified as a Variant of Uncertain Significance.

NM_015978.3(TNNI3K):c.1378C>T (p.Leu460Phe)

Genes: FPGT-TNNI3K (FPGT-TNNI3K readthrough; plus strand), TNNI3K (TNNI3 interacting kinase; plus strand). Cytogenetic location: 1p31.1.
Variant type: single nucleotide variant.
Coding change: c.1378C>T on transcript NM_015978.3 (MANE Select); coding-DNA position 1378, C replaced by T.
Protein change: p.Leu460Phe; replaces leucine 460 with phenylalanine.
Molecular consequence: missense variant.
Genome position (GRCh38, 1-based): chr1:74,369,078, C>T. VCF-style: chr1-74369078-C-T. GRCh37 (hg19) VCF-style: chr1-74834762-C-T.
Other names: c.1681C>T, p.Leu561Phe (NM_001112808.3, NM_001199327.2); short protein forms L460F, L561F.
Identifiers: ClinVar variation 1485332 (VCV001485332.6), dbSNP rs139671822, ClinGen allele CA909264.